The following is an entry in ClinVar:

NM_004304.5(ALK):c.2459G>A (p.Gly820Glu)

Gene: ALK (ALK receptor tyrosine kinase; minus strand). Cytogenetic location: 2p23.2.
Variant type: single nucleotide variant.
Coding change: c.2459G>A on transcript NM_004304.5 (MANE Select); coding-DNA position 2459, G replaced by A.
Protein change: p.Gly820Glu; replaces glycine 820 with glutamic acid.
Molecular consequence: missense variant.
Genome position (GRCh38, 1-based): chr2:29,233,593, C>T on the plus strand (G>A on the coding strand, the complement: ALK is on the minus strand). VCF-style: chr2-29233593-C-T. GRCh37 (hg19) VCF-style: chr2-29456459-C-T.
Other names: short protein forms G820E.
Identifiers: ClinVar variation 645243 (VCV000645243.9), dbSNP rs1573141557, ClinGen allele CA346472140.

ClinVar aggregate classification (germline): Uncertain significance. Review status: criteria provided, multiple submitters, no conflicts (2 of 4 stars). 2 submissions from 2 submitters: Uncertain significance (2). Last evaluated 2024-05-02.

Conditions:
Neuroblastoma, susceptibility to, 3. Also called: ALK-Related Neuroblastic Tumor Susceptibility. Identifiers: Orphanet 635, MedGen C2751681, MONDO:0013083, OMIM 613014.
Hereditary cancer-predisposing syndrome. Also called: Neoplastic Syndromes, Hereditary; Hereditary Cancer Syndrome; Hereditary neoplastic syndrome; Tumor predisposition. Identifiers: Orphanet 140162, MedGen C0027672, MeSH D009386, MONDO:0015356.

Submissions (2):

Ambry Genetics
Classification: Uncertain significance for Hereditary cancer-predisposing syndrome. Last evaluated: 2024-05-02. Review status: criteria provided, single submitter. Criteria: Ambry Variant Classification Scheme 2023. Collection method: clinical testing. Allele origin: germline.
Comment: The p.G820E variant (also known as c.2459G>A), located in coding exon 14 of the ALK gene, results from a G to A substitution at nucleotide position 2459. The glycine at codon 820 is replaced by glutamic acid, an amino acid with similar properties. This amino acid position is conserved. In addition, this alteration is predicted to be deleterious by in silico analysis. Based on the available evidence, the clinical significance of this variant remains unclear.

Labcorp Genetics (formerly Invitae), Labcorp
Classification: Uncertain significance for Neuroblastoma, susceptibility to, 3. Last evaluated: 2018-08-27. Review status: criteria provided, single submitter. Criteria: Invitae Variant Classification Sherloc (09022015). Collection method: clinical testing. Allele origin: germline.
Comment: This sequence change replaces glycine with glutamic acid at codon 820 of the ALK protein (p.Gly820Glu). The glycine residue is highly conserved and there is a moderate physicochemical difference between glycine and glutamic acid. This variant is not present in population databases (ExAC no frequency). This variant has not been reported in the literature in individuals with ALK-related disease. Algorithms developed to predict the effect of missense changes on protein structure and function (SIFT, PolyPhen-2, Align-GVGD) all suggest that this variant is likely to be disruptive, but these predictions have not been confirmed by published functional studies and their clinical significance is uncertain. In summary, the available evidence is currently insufficient to determine the role of this variant in disease. Therefore, it has been classified as a Variant of Uncertain Significance.